The following is an entry in ClinVar:

NM_002016.2(FLG):c.4911A>C (p.Gln1637His)

Genes: CCDST (cervical cancer associated DHX9 suppressive transcript; plus strand), FLG (filaggrin; minus strand). Cytogenetic location: 1q21.3.
Variant type: single nucleotide variant.
Coding change: c.4911A>C on transcript NM_002016.2 (MANE Select); coding-DNA position 4911, A replaced by C.
Protein change: p.Gln1637His; replaces glutamine 1637 with histidine.
Molecular consequence: missense variant.
Genome position (GRCh38, 1-based): chr1:152,309,975, T>G on the plus strand (A>C on the coding strand, the complement: FLG is on the minus strand). VCF-style: chr1-152309975-T-G. GRCh37 (hg19) VCF-style: chr1-152282451-T-G.
Other names: short protein forms Q1637H.
Identifiers: ClinVar variation 3026174 (VCV003026174.22), dbSNP rs760321940, ClinGen allele CA1106006.

ClinVar aggregate classification (germline): Uncertain significance (1 of 4 stars; one submission).

Allele frequency attached by ClinVar (database versions not stated): ExAC 0.00002.

Submission:

CeGaT Center for Human Genetics Tuebingen
Classification: Uncertain significance. Last evaluated: 2024-02-01. Review status: criteria provided, single submitter. Criteria: CeGaT Center For Human Genetics Tuebingen Variant Classification Criteria Version 2. Collection method: clinical testing. Allele origin: germline. Affected: yes. Observed: 1 variant allele.
Comment: FLG: PM2, BP4